The following is an entry in ClinVar:

ClinVar aggregate classification (germline): Benign/Likely benign. Review status: criteria provided, multiple submitters, no conflicts (2 of 4 stars). 10 submissions from 10 submitters: Benign (9); Likely benign (1). Last evaluated 2026-02-02.

Conditions:
Connective tissue disorder. Also called: Connective tissue disease. Identifiers: MedGen C0009782, MONDO:0003900.
Macular degeneration, early-onset (EOMD). Identifiers: MedGen C4015286, MONDO:0014501, OMIM 616118.
Congenital contractural arachnodactyly (CCA). Also called: Beals-Hecht syndrome; Arthrogryposis, distal, type 9; BEALS SYNDROME. Identifiers: Orphanet 115, MedGen C0220668, MONDO:0007363, OMIM 121050.

Allele frequency attached by ClinVar (database versions not stated): 1000 Genomes Project 0.00479; TOPMed 0.00533; ESP Exome Variant Server 0.00538; 1000 Genomes Project 30x 0.00547.
gnomAD v4.1: 1,396 of 1,613,876 alleles (0.086%); highest among the groups gnomAD compares: African/African-American, 1.6%; 12 homozygotes.

Submissions (10):

Labcorp Genetics (formerly Invitae), Labcorp
Classification: Benign for Congenital contractural arachnodactyly. Last evaluated: 2026-02-02. Review status: criteria provided, single submitter. Criteria: Invitae Variant Classification Sherloc (09022015). Collection method: clinical testing. Allele origin: germline.

Blueprint Genetics
Classification: Likely benign. Last evaluated: 2024-11-25. Review status: criteria provided, single submitter. Criteria: ACMG Guidelines, 2015. Collection method: clinical testing. Allele origin: germline.

Mayo Clinic Laboratories, Mayo Clinic
Classification: Benign. Last evaluated: 2023-12-22. Review status: criteria provided, single submitter. Criteria: ACMG Guidelines, 2015. Collection method: clinical testing. Allele origin: germline. Observed: 7 variant alleles.
Comment: BS1, BS2

Women's Health and Genetics/Laboratory Corporation of America, LabCorp
Classification: Benign. Last evaluated: 2023-07-21. Review status: criteria provided, single submitter. Criteria: LabCorp Variant Classification Summary - May 2015. Collection method: clinical testing. Allele origin: germline.

ARUP Laboratories, Molecular Genetics and Genomics, ARUP Laboratories
Classification: Benign. Last evaluated: 2021-07-30. Review status: criteria provided, single submitter. Criteria: ARUP Molecular Germline Variant Investigation Process 2021. Collection method: clinical testing. Allele origin: germline.

Fulgent Genetics
Classification: Benign for Congenital contractural arachnodactyly; Macular degeneration, early-onset. Last evaluated: 2021-07-10. Review status: criteria provided, single submitter. Criteria: ACMG Guidelines, 2015. Collection method: clinical testing. Allele origin: unknown.

Genome Diagnostics Laboratory, The Hospital for Sick Children
Classification: Benign for Connective tissue disorder. Last evaluated: 2020-03-01. Review status: criteria provided, single submitter. Criteria: ACMG Guidelines, 2015. Collection method: clinical testing. Allele origin: germline.

Illumina Laboratory Services, Illumina
Classification: Benign for Congenital contractural arachnodactyly. Last evaluated: 2018-01-13. Review status: criteria provided, single submitter. Criteria: ICSL Variant Classification Criteria 13 December 2019. Collection method: clinical testing. Allele origin: germline.
Comment: This variant was observed in the ICSL laboratory as part of a predisposition screen in an ostensibly healthy population. It had not been previously curated by ICSL or reported in the Human Gene Mutation Database (HGMD: prior to June 1st, 2018), and was therefore a candidate for classification through an automated scoring system. Utilizing variant allele frequency, disease prevalence and penetrance estimates, and inheritance mode, an automated score was calculated to assess if this variant is too frequent to cause the disease. Based on the score and internal cut-off values, a variant classified as benign is not then subjected to further curation. The score for this variant resulted in a classification of benign for this disease.

GeneDx
Classification: Benign. Last evaluated: 2014-01-19. Review status: criteria provided, single submitter. Criteria: GeneDx Variant Classification (06012015). Collection method: clinical testing. Allele origin: germline. Affected: yes.
Comment: This variant is considered likely benign or benign based on one or more of the following criteria: it is a conservative change, it occurs at a poorly conserved position in the protein, it is predicted to be benign by multiple in silico algorithms, and/or has population frequency not consistent with disease.

PreventionGenetics, part of Exact Sciences
Classification: Benign. Review status: criteria provided, single submitter. Criteria: ACMG Guidelines, 2015. Collection method: clinical testing. Allele origin: germline.

NM_001999.4(FBN2):c.3848-10G>T

Gene: FBN2 (fibrillin 2; minus strand). Cytogenetic location: 5q23.3.
Variant type: single nucleotide variant.
Coding change: c.3848-10G>T on transcript NM_001999.4 (MANE Select); 10 bases into the intron before coding-DNA position 3848, G replaced by T.
Molecular consequence: intron variant.
Genome position (GRCh38, 1-based): chr5:128,335,305, C>A on the plus strand (G>T on the coding strand, the complement: FBN2 is on the minus strand). VCF-style: chr5-128335305-C-A. GRCh37 (hg19) VCF-style: chr5-127670997-C-A.
Other names: p.?.
Identifiers: ClinVar variation 137326 (VCV000137326.30), dbSNP rs140017238, ClinGen allele CA290868.
Genomic context (GRCh38, chr5:128,335,305, plus strand): 5'-TACACTGGCCGCCATCACAGATATCAGGATTGTTTTCACATTCATCAATGTCTGATGATA[C>A]AAAATTAGCATCAAATGAAAATAAAAATGTCGTTCATCAATCTCAAATGTTTTTGTTTTC-3'